The following is an entry in ClinVar:

NM_000016.6(ACADM):c.617G>T (p.Arg206Leu)

Gene: ACADM (acyl-CoA dehydrogenase medium chain; plus strand). Cytogenetic location: 1p31.1.
Variant type: single nucleotide variant.
Coding change: c.617G>T on transcript NM_000016.6 (MANE Select); coding-DNA position 617, G replaced by T.
Protein change: p.Arg206Leu; replaces arginine 206 with leucine.
Molecular consequence: missense variant.
Genome position (GRCh38, 1-based): chr1:75,745,823, G>T. VCF-style: chr1-75745823-G-T. GRCh37 (hg19) VCF-style: chr1-76211508-G-T.
Other names: c.629G>T, p.Arg210Leu (NM_001127328.3); c.509G>T, p.Arg170Leu (NM_001286042.2); c.716G>T, p.Arg239Leu (NM_001286043.2); c.50G>T, p.Arg17Leu (NM_001286044.2); short protein forms R206L, R210L, R170L, R17L, R239L.
Identifiers: ClinVar variation 556697 (VCV000556697.14), dbSNP rs200724875, ClinGen allele CA340815834.

ClinVar aggregate classification (germline): Pathogenic/Likely pathogenic. Review status: criteria provided, multiple submitters, no conflicts (2 of 4 stars). 5 submissions from 5 submitters: Pathogenic (2); Likely pathogenic (2). 1 of the submissions does not count toward it. Last evaluated 2025-11-10.

Conditions:
Medium-chain acyl-coenzyme A dehydrogenase deficiency (ACADMD). Also called: Medium chain acyl-CoA dehydrogenase deficiency; CARNITINE DEFICIENCY SECONDARY TO MEDIUM-CHAIN ACYL-CoA DEHYDROGENASE DEFICIENCY; MCADD; MCAD Deficiency; MCADH DEFICIENCY; ACADM DEFICIENCY. Identifiers: Orphanet 42, MedGen C0220710, MONDO:0008721, OMIM 201450.

Allele frequency attached by ClinVar (database versions not stated): TOPMed 0.00002.
gnomAD v4.1: 3 of 1,613,462 alleles (0.00019%); highest among the groups gnomAD compares: African/African-American, 0.004%; no homozygotes.

Submissions (5):

Natera, Inc.
Classification: Likely pathogenic for Medium Chain Acyl-CoA Dehydrogenase Deficiency. Last evaluated: 2025-11-10. Review status: criteria provided, single submitter. Criteria: Natera Variant Classification Schema (03/2026). Collection method: clinical testing. Allele origin: germline.
Comment: The c.617G>T variant in ACADM is a missense variant predicted to cause substitution of arginine to leucine at amino acid 206. This variant is rare in the general population with a frequency below the threshold expected for the associated phenotype(s). This variant has been observed in one or more individuals affected with the associated recessive disease, as either homozygous or compound heterozygous with a second variant (PMID: 18450854, 10767181). A different variant at the same position has been determined to be Pathogenic or Likely Pathogenic. Given the available evidence, this variant is classified as Likely Pathogenic.

Women's Health and Genetics/Laboratory Corporation of America, LabCorp
Classification: Likely pathogenic for Medium-chain acyl-coenzyme A dehydrogenase deficiency. Last evaluated: 2025-07-09. Review status: criteria provided, single submitter. Criteria: LabCorp Variant Classification Summary - May 2015. Collection method: clinical testing. Allele origin: germline.
Comment: Variant summary: ACADM c.617G>T (p.Arg206Leu) results in a non-conservative amino acid change in the encoded protein sequence. Algorithms developed to predict the effect of missense changes on protein structure and function all suggest that this variant is likely to be disruptive. The variant was absent in 251398 control chromosomes. c.617G>T has been observed in the presumed compound heterozygous state in at least 2 individual(s) affected with Medium Chain Acyl-CoA Dehydrogenase Deficiency (example, Yang_2000, Hsu_2008). These data indicate that the variant may be associated with disease. At least 2 different variants affecting the same codon have been determined to be likely pathogenic/pathogenic by our lab (c.616C>T, p.Arg206Cys and c.617G>A, p.Arg206His), supporting the critical relevance of codon 206 to ACADM protein function. To our knowledge, no experimental evidence demonstrating an impact on protein function has been reported. The following publications have been ascertained in the context of this evaluation (PMID: 10767181, 19224950, 16291504, 19821147, 15832312, 19156839, 14728674, 18450854, 20434380, 27477829). ClinVar contains an entry for this variant (Variation ID: 556697). Based on the evidence outlined above, the variant was classified as likely pathogenic.

Baylor Genetics
Classification: Pathogenic for Medium-chain acyl-coenzyme A dehydrogenase deficiency. Last evaluated: 2024-03-02. Review status: criteria provided, single submitter. Criteria: ACMG Guidelines, 2015. Collection method: clinical testing. Allele origin: unknown.

Labcorp Genetics (formerly Invitae), Labcorp
Classification: Pathogenic for Medium-chain acyl-coenzyme A dehydrogenase deficiency. Last evaluated: 2022-12-20. Review status: criteria provided, single submitter. Criteria: Invitae Variant Classification Sherloc (09022015). Collection method: clinical testing. Allele origin: germline.
Comment: ClinVar contains an entry for this variant (Variation ID: 556697). This sequence change replaces arginine, which is basic and polar, with leucine, which is neutral and non-polar, at codon 206 of the ACADM protein (p.Arg206Leu). This variant is not present in population databases (gnomAD no frequency). This missense change has been observed in individual(s) with medium chain acyl-CoA dehydrogenase deficiency (PMID: 10767181). In at least one individual the data is consistent with being in trans (on the opposite chromosome) from a pathogenic variant. This variant is also known as R181L. Advanced modeling of protein sequence and biophysical properties (such as structural, functional, and spatial information, amino acid conservation, physicochemical variation, residue mobility, and thermodynamic stability) performed at Invitae indicates that this missense variant is not expected to disrupt ACADM protein function. Algorithms developed to predict the effect of sequence changes on RNA splicing suggest that this variant may create or strengthen a splice site. This variant disrupts the p.Arg206 amino acid residue in ACADM. Other variant(s) that disrupt this residue have been determined to be pathogenic (PMID: 15832312, 16291504, 20434380, 23028790). This suggests that this residue is clinically significant, and that variants that disrupt this residue are likely to be disease-causing. For these reasons, this variant has been classified as Pathogenic.

Counsyl
Classification: Likely pathogenic for Medium-chain acyl-coenzyme A dehydrogenase deficiency. Last evaluated: 2018-02-13. Review status: no assertion criteria provided. Collection method: clinical testing. Allele origin: unknown. Not counted in ClinVar's aggregate classification.

Literature cited by the submitters: PubMed 18450854 (cited by 3 submitters); PubMed 10767181 (cited by 4 submitters); PubMed 16291504 (cited by Women's Health and Genetics/Laboratory Corporation of America, LabCorp and Labcorp Genetics (formerly Invitae), Labcorp); PubMed 20434380 (cited by Women's Health and Genetics/Laboratory Corporation of America, LabCorp and Labcorp Genetics (formerly Invitae), Labcorp); PubMed 15832312 (cited by Women's Health and Genetics/Laboratory Corporation of America, LabCorp and Labcorp Genetics (formerly Invitae), Labcorp); PubMed 27477829 (cited by Women's Health and Genetics/Laboratory Corporation of America, LabCorp and Counsyl); PubMed 14728674 (cited by Women's Health and Genetics/Laboratory Corporation of America, LabCorp); PubMed 19224950 (cited by Women's Health and Genetics/Laboratory Corporation of America, LabCorp); PubMed 19156839 (cited by Women's Health and Genetics/Laboratory Corporation of America, LabCorp and Counsyl); PubMed 19821147 (cited by Women's Health and Genetics/Laboratory Corporation of America, LabCorp); PubMed 23028790 (cited by Labcorp Genetics (formerly Invitae), Labcorp).